The following is an entry in ClinVar:

NM_001354712.2(THRB):c.1354C>T (p.Pro452Ser)

Gene: THRB (thyroid hormone receptor beta; minus strand). Cytogenetic location: 3p24.2.
Variant type: single nucleotide variant.
Coding change: c.1354C>T on transcript NM_001354712.2 (MANE Select); coding-DNA position 1354, C replaced by T.
Protein change: p.Pro452Ser; replaces proline 452 with serine.
Molecular consequence: missense variant.
Genome position (GRCh38, 1-based): chr3:24,122,916, G>A on the plus strand (C>T on the coding strand, the complement: THRB is on the minus strand). VCF-style: chr3-24122916-G-A. GRCh37 (hg19) VCF-style: chr3-24164407-G-A.
Other names: c.1354C>T, p.Pro452Ser (NM_000461.5, NM_001128176.3, NM_001128177.2 and 11 more transcripts); c.1261C>T, p.Pro421Ser (NM_001354714.2, NM_001354715.2); c.1183C>T, p.Pro395Ser (NM_001374827.1); c.1354C>T (NM_000461.4); short protein forms P395S, P421S, P452S.
Identifiers: ClinVar variation 1705477 (VCV001705477.5), dbSNP rs2148780678, ClinGen allele CA351886504.

ClinVar aggregate classification (germline): Conflicting classifications of pathogenicity. Review status: criteria provided, conflicting classifications (1 of 4 stars). 4 submissions from 4 submitters: Likely pathogenic (2); Uncertain significance (2). Last evaluated 2026-03-04.

Conditions:
THRB-related disorder. Also called: THRB-related condition.
Thyroid hormone resistance, generalized, autosomal dominant (GRTHD). Also called: HYPERTHYROXINEMIA, FAMILIAL EUTHYROID, SECONDARY TO PITUITARY AND PERIPHERAL RESISTANCE TO THYROID HORMONES. Identifiers: MedGen C2937288, MONDO:0008569, OMIM 188570.

Submissions (4):

Women's Health and Genetics/Laboratory Corporation of America, LabCorp
Classification: Uncertain significance. Last evaluated: 2026-03-04. Review status: criteria provided, single submitter. Criteria: LabCorp Variant Classification Summary - May 2015. Collection method: clinical testing. Allele origin: germline.
Comment: Variant summary: THRB c.1354C>T (p.Pro452Ser) results in a non-conservative amino acid change located in the Nuclear hormone receptor, ligand-binding domain (IPR000536) of the encoded protein sequence. Algorithms developed to predict the effect of missense changes on protein structure and function all suggest that this variant is likely to be disruptive. The variant was absent in 251492 control chromosomes (gnomAD). The available data on variant occurrences in the general population are insufficient to allow any conclusion about variant significance. c.1354C>T has been reported in the literature in at least one individual affected with Thyroid Hormone Resistance (Sun_2022). These data do not allow any conclusion about variant significance. To our knowledge, no experimental evidence demonstrating an impact on protein function has been reported. The following publications have been ascertained in the context of this evaluation (PMID: 39843441, 29262478). ClinVar contains an entry for this variant (Variation ID: 1705477). Based on the evidence outlined above, the variant was classified as uncertain significance.

Quest Diagnostics Nichols Institute San Juan Capistrano
Classification: Uncertain significance. Last evaluated: 2025-03-18. Review status: criteria provided, single submitter. Criteria: Quest Diagnostics criteria. Collection method: clinical testing. Allele origin: unknown.
Comment: The THRB c.1354C>T (p.Pro452Ser) variant has been reported in the published literature in at least one individual with a THRB-related condition (PMID: 29262478 (2017)). This variant has not been reported in large, multi-ethnic general populations (Genome Aggregation Database). Analysis of this variant using bioinformatics tools for the prediction of the effect of amino acid changes on protein structure and function yielded predictions that this variant is damaging. Based on the available information, we are unable to determine the clinical significance of this variant.

Blueprint Genetics
Classification: Likely pathogenic for THRB-related disorders. Last evaluated: 2023-06-06. Review status: criteria provided, single submitter. Criteria: ACMG Guidelines, 2015. Collection method: clinical testing. Allele origin: germline. Affected: yes. Observed: 2 variant alleles.

3billion
Classification: Likely pathogenic for Thyroid hormone resistance, generalized, autosomal dominant. Last evaluated: 2022-09-01. Review status: criteria provided, single submitter. Criteria: ACMG Guidelines, 2015. Collection method: clinical testing. Allele origin: germline. Affected: yes. Observed: 1 heterozygote.
Comment: The variant is not observed in the gnomAD v2.1.1 dataset. Missense changes are a common disease-causing mechanism. In silico tool predictions suggest damaging effect of the variant on gene or gene product (REVEL: 0.86; 3Cnet: 0.97). Same nucleotide change resulting in same amino acid change has been previously reported to be associated with THRB-related disorder (PMID: 29262478). Different missense changes at the same codon (p.Pro452Arg, p.Pro452Leu) have been reported to be associated with THRB-related disorder (PMID: 24722129 , 27168936). Therefore, this variant is classified as Likely pathogenic according to the recommendation of ACMG/AMP guideline.

Literature cited by the submitters: PubMed 29262478 (cited by 3 submitters); PubMed 39843441 (cited by Women's Health and Genetics/Laboratory Corporation of America, LabCorp); PubMed 24722129 (cited by 3billion); PubMed 27168936 (cited by 3billion).